The following is an entry in ClinVar:

ClinVar aggregate classification (germline): Uncertain significance (1 of 4 stars; one submission).

Allele frequency attached by ClinVar (database versions not stated): gnomAD exomes below 0.00001; TOPMed below 0.00001.
gnomAD v4.1: 6 of 1,614,164 alleles (0.00037%); highest among the groups gnomAD compares: Non-Finnish European, 0.00051%; no homozygotes.

Submission:

Labcorp Genetics (formerly Invitae), Labcorp
Classification: Uncertain significance. Last evaluated: 2025-04-21. Review status: criteria provided, single submitter. Criteria: Invitae Variant Classification Sherloc (09022015). Collection method: clinical testing. Allele origin: germline.
Comment: This sequence change replaces alanine, which is neutral and non-polar, with valine, which is neutral and non-polar, at codon 184 of the ORC1 protein (p.Ala184Val). This variant is not present in population databases (gnomAD no frequency). This variant has not been reported in the literature in individuals affected with ORC1-related conditions. ClinVar contains an entry for this variant (Variation ID: 1980822). An algorithm developed to predict the effect of missense changes on protein structure and function (PolyPhen-2) suggests that this variant is likely to be tolerated. In summary, the available evidence is currently insufficient to determine the role of this variant in disease. Therefore, it has been classified as a Variant of Uncertain Significance.

NM_004153.4(ORC1):c.551C>T (p.Ala184Val)

Gene: ORC1 (origin recognition complex subunit 1; minus strand). Cytogenetic location: 1p32.3.
Variant type: single nucleotide variant.
Coding change: c.551C>T on transcript NM_004153.4 (MANE Select); coding-DNA position 551, C replaced by T.
Protein change: p.Ala184Val; replaces alanine 184 with valine.
Molecular consequence: missense variant.
Genome position (GRCh38, 1-based): chr1:52,396,216, G>A on the plus strand (C>T on the coding strand, the complement: ORC1 is on the minus strand). VCF-style: chr1-52396216-G-A. GRCh37 (hg19) VCF-style: chr1-52861888-G-A.
Other names: c.551C>T, p.Ala184Val (NM_001190818.2, NM_001190819.2); short protein forms A184V.
Identifiers: ClinVar variation 1980822 (VCV001980822.4), dbSNP rs1647388872, ClinGen allele CA340363283.